The following is an entry in ClinVar:

NM_020853.2(FAM234B):c.1842G>A (p.Lys614=)

Gene: FAM234B (family with sequence similarity 234 member B; plus strand). Cytogenetic location: 12p13.1.
Variant type: single nucleotide variant.
Coding change: c.1842G>A on transcript NM_020853.2 (MANE Select); coding-DNA position 1842, G replaced by A.
Protein change: p.Lys614=; no amino-acid change (lysine 614 retained).
Molecular consequence: synonymous variant.
Genome position (GRCh38, 1-based): chr12:13,079,988, G>A. VCF-style: chr12-13079988-G-A. GRCh37 (hg19) VCF-style: chr12-13232922-G-A.
Identifiers: ClinVar variation 3042153 (VCV003042153.2), dbSNP rs554502816, ClinGen allele CA6459971.

ClinVar aggregate classification (germline): Likely benign (0 of 4 stars; one submission).

Conditions:
FAM234B-related disorder. Also called: FAM234B-related condition.

Allele frequency attached by ClinVar (database versions not stated): TOPMed 0.00002; gnomAD 0.00011; gnomAD exomes 0.00015; ExAC 0.00037; 1000 Genomes Project 30x 0.00078; 1000 Genomes Project 0.00100.
gnomAD v4.1: 232 of 1,606,304 alleles (0.014%); highest among the groups gnomAD compares: South Asian, 0.25%; 2 homozygotes.

Submission:

PreventionGenetics, part of Exact Sciences
Classification: Likely benign for FAM234B-related condition. Last evaluated: 2019-05-13. Review status: no assertion criteria provided. Collection method: clinical testing. Allele origin: germline.
Comment: This variant is classified as likely benign based on ACMG/AMP sequence variant interpretation guidelines (Richards et al. 2015 PMID: 25741868, with internal and published modifications).